The following is an entry in ClinVar:

ClinVar aggregate classification (germline): Conflicting classifications of pathogenicity. Review status: criteria provided, conflicting classifications (1 of 4 stars). 3 submissions from 3 submitters: Likely pathogenic (1); Uncertain significance (2). Last evaluated 2026-02-12.

Conditions:
Hereditary cancer-predisposing syndrome. Also called: Tumor predisposition; Hereditary neoplastic syndrome; Hereditary Cancer Syndrome; Neoplastic Syndromes, Hereditary. Identifiers: Orphanet 140162, MedGen C0027672, MeSH D009386, MONDO:0015356.
Hereditary breast ovarian cancer syndrome. Also called: Hereditary breast and ovarian cancer; Breast and ovarian cancer; BRCA1- and BRCA2-Associated Hereditary Breast and Ovarian Cancer; Hereditary breast and ovarian cancer syndrome (HBOC); Hereditary breast and/or ovarian cancer syndrome; Hereditary breast and ovarian cancer syndrome. Identifiers: Orphanet 145, MedGen C0677776, MeSH D061325, MONDO:0003582. Disease mechanism: loss of function.

Submissions (3):

Ambry Genetics
Classification: Likely pathogenic for Hereditary cancer-predisposing syndrome. Last evaluated: 2026-02-12. Review status: criteria provided, single submitter. Criteria: Ambry Variant Classification Scheme 2023. Collection method: clinical testing. Allele origin: germline.
Comment: The p.E2878Q variant (also known as c.8632G>C), located in coding exon 19 of the BRCA2 gene, results from a G to C substitution at nucleotide position 8632. The amino acid change results in glutamic acid to glutamine at codon 2878, an amino acid with highly similar properties. This change occurs in the last base pair of coding exon 19, which makes it likely to have some effect on normal mRNA splicing. Two saturation genome editing-based studies, including a haploid cell-survival assay and a humanized mouse embryonic stem cell line assay of drug response and survival, demonstrate that this nucleotide substitution is non-functional(Huang H et al. Nature. 2025 Feb;638(8050):528-537; Sahu S et al. Nature. 2025 Feb;638(8050):538-545). The in silico prediction for this alteration is inconclusive. However, the in silico splice site analysis predicts that this alteration will weaken the native splice donor site and may result in the creation or strengthening of a novel splice donor site. This nucleotide position is highly conserved in available vertebrate species, and this amino acid position is well conserved in available vertebrate species. This variant is considered to be rare based on population cohorts in the Genome Aggregation Database (gnomAD). Based on the majority of available evidence to date, this variant is likely to be pathogenic.

Labcorp Genetics (formerly Invitae), Labcorp
Classification: Uncertain significance for Hereditary breast ovarian cancer syndrome. Last evaluated: 2026-01-16. Review status: criteria provided, single submitter. Criteria: Invitae Variant Classification Sherloc (09022015). Collection method: clinical testing. Allele origin: germline.
Comment: This sequence change replaces glutamic acid, which is acidic and polar, with glutamine, which is neutral and polar, at codon 2878 of the BRCA2 protein (p.Glu2878Gln). This variant also falls at the last nucleotide of exon 20, which is part of the consensus splice site for this exon. This variant is not present in population databases (gnomAD no frequency). This variant has not been reported in the literature in individuals affected with BRCA2-related conditions. ClinVar contains an entry for this variant (Variation ID: 918105). An algorithm developed to predict the effect of missense changes on protein structure and function (PolyPhen-2) suggests that this variant is likely to be disruptive. Variants that disrupt the consensus splice site are a relatively common cause of aberrant splicing (PMID: 17576681, 9536098). Algorithms developed to predict the effect of sequence changes on RNA splicing suggest that this variant may disrupt the consensus splice site. This variant disrupts the c.8632G nucleotide in the BRCA2 gene. Other variant(s) that disrupt this nucleotide have been determined to be pathogenic (PMID: 27257965, 30702160, 35418818; internal data). This suggests that this nucleotide is clinically significant, and that variants that disrupt this position are likely to be disease-causing. In summary, the available evidence is currently insufficient to determine the role of this variant in disease. Therefore, it has been classified as a Variant of Uncertain Significance.

Women's Health and Genetics/Laboratory Corporation of America, LabCorp
Classification: Uncertain significance. Last evaluated: 2020-03-18. Review status: criteria provided, single submitter. Criteria: LabCorp Variant Classification Summary - May 2015. Collection method: clinical testing. Allele origin: germline.
Comment: Variant summary: BRCA2 c.8632G>C (p.Glu2878Gln) results in a conservative amino acid change in the encoded protein sequence. Three of five in-silico tools predict a damaging effect of the variant on protein function. Several computational tools predict a significant impact on normal splicing: Four predict the variant abolishes a 5' splicing donor site. However, these predictions have yet to be confirmed by functional studies. The variant was absent in 250782 control chromosomes (gnomAD). The available data on variant occurrences in the general population are insufficient to allow any conclusion about variant significance. To our knowledge, no occurrence of c.8632G>C in individuals affected with Hereditary Breast and Ovarian Cancer and no experimental evidence demonstrating its impact on protein function have been reported. No clinical diagnostic laboratories have submitted clinical-significance assessments for this variant to ClinVar after 2014. Based on the evidence outlined above, the variant was classified as uncertain significance.

Literature cited by the submitters: PubMed 17576681 (cited by Labcorp Genetics (formerly Invitae), Labcorp); PubMed 9536098 (cited by Labcorp Genetics (formerly Invitae), Labcorp); PubMed 27257965 (cited by Labcorp Genetics (formerly Invitae), Labcorp); PubMed 30702160 (cited by Labcorp Genetics (formerly Invitae), Labcorp); PubMed 35418818 (cited by Labcorp Genetics (formerly Invitae), Labcorp).

NM_000059.4(BRCA2):c.8632G>C (p.Glu2878Gln)

Gene: BRCA2 (BRCA2 DNA repair associated; plus strand). Cytogenetic location: 13q13.1.
Variant type: single nucleotide variant.
Coding change: c.8632G>C on transcript NM_000059.4 (MANE Select); coding-DNA position 8632, G replaced by C.
Protein change: p.Glu2878Gln; replaces glutamic acid 2878 with glutamine.
Molecular consequence: missense variant.
Genome position (GRCh38, 1-based): chr13:32,371,100, G>C. VCF-style: chr13-32371100-G-C. GRCh37 (hg19) VCF-style: chr13-32945237-G-C.
Other names: short protein forms E2878Q.
Identifiers: ClinVar variation 918105 (VCV000918105.9), dbSNP rs398122710, ClinGen allele CA387753025.